The following is an entry in ClinVar:

ClinVar aggregate classification (germline): Pathogenic. Review status: reviewed by expert panel (3 of 4 stars). 4 submissions from 4 submitters: Pathogenic (1). 3 of the submissions do not count toward it. Last evaluated 2016-10-18.

Conditions:
Hereditary breast ovarian cancer syndrome. Also called: Hereditary breast and ovarian cancer; Hereditary breast and ovarian cancer syndrome (HBOC); Hereditary breast and/or ovarian cancer syndrome; Breast and ovarian cancer; Hereditary breast and ovarian cancer syndrome; BRCA1- and BRCA2-Associated Hereditary Breast and Ovarian Cancer. Identifiers: Orphanet 145, MedGen C0677776, MeSH D061325, MONDO:0003582. Disease mechanism: loss of function.
Breast-ovarian cancer, familial, susceptibility to, 2 (BROVCA2). Also called: BRCA2 Hereditary Breast and Ovarian Cancer. Identifiers: Orphanet 145, MedGen C2675520, MONDO:0012933, OMIM 612555. Disease mechanism: loss of function.

Submissions (4):

Evidence-based Network for the Interpretation of Germline Mutant Alleles (ENIGMA)
Classification: Pathogenic for Breast-ovarian cancer, familial, susceptibility to, 2. Last evaluated: 2016-10-18. Review status: reviewed by expert panel. Criteria: ENIGMA BRCA1/2 Classification Criteria (2015). Collection method: curation. Allele origin: germline.
Comment: Variant allele predicted to encode a truncated non-functional protein.

Center for Genomic Medicine, Rigshospitalet, Copenhagen University Hospital
Classification: Pathogenic. Last evaluated: 2025-12-29. Review status: criteria provided, single submitter. Criteria: ACMG Guidelines, 2015. Collection method: clinical testing. Allele origin: germline. Not counted in ClinVar's aggregate classification.

Labcorp Genetics (formerly Invitae), Labcorp
Classification: Pathogenic for Hereditary breast ovarian cancer syndrome. Last evaluated: 2024-11-25. Review status: criteria provided, single submitter. Criteria: Invitae Variant Classification Sherloc (09022015). Collection method: clinical testing. Allele origin: germline. Not counted in ClinVar's aggregate classification.
Comment: This sequence change creates a premature translational stop signal (p.Phe529Leufs*28) in the BRCA2 gene. It is expected to result in an absent or disrupted protein product. Loss-of-function variants in BRCA2 are known to be pathogenic (PMID: 20104584). This variant is not present in population databases (gnomAD no frequency). This variant has not been reported in the literature in individuals affected with BRCA2-related conditions. ClinVar contains an entry for this variant (Variation ID: 266645). For these reasons, this variant has been classified as Pathogenic.

Consortium of Investigators of Modifiers of BRCA1/2 (CIMBA), c/o University of Cambridge
Classification: Pathogenic for Breast-ovarian cancer, familial, susceptibility to, 2. Last evaluated: 2015-10-02. Review status: criteria provided, single submitter. Criteria: CIMBA Mutation Classification guidelines May 2016. Collection method: clinical testing. Allele origin: germline. Not counted in ClinVar's aggregate classification.

Literature cited by the submitters: PubMed 20104584 (cited by Labcorp Genetics (formerly Invitae), Labcorp).

NM_000059.4(BRCA2):c.1587_1590del (p.Phe529fs)

Gene: BRCA2 (BRCA2 DNA repair associated; plus strand). Cytogenetic location: 13q13.1.
Variant type: Deletion.
Coding change: c.1587_1590del on transcript NM_000059.4 (MANE Select); coding-DNA positions 1587 to 1590, 4 bases deleted (TAAA; older notation c.1587_1590delTAAA).
Protein change: p.Phe529fs; shifts the reading frame from phenylalanine 529.
Molecular consequence: frameshift variant.
Genome position (GRCh38, 1-based): chr13:32,333,065-32,333,068, TAAA deleted. VCF-style (leftmost placement, unchanged base first): chr13-32333064-TTAAA-T. GRCh37 (hg19) VCF-style: chr13-32907201-TTAAA-T.
Other names: 1815_1818del4; c.1587_1590delTAAA (NM_000059.4); short protein forms F529fs.
Identifiers: ClinVar variation 266645 (VCV000266645.8), dbSNP rs886040375, ClinGen allele CA10589104.
Genomic context (GRCh38, chr13:32,333,064, plus strand): 5'-GAGAATCACCTAAAGAGACTTTCAATGCAAGTTTTTCAGGTCATATGACTGATCCAAACT[TTAAA>T]AAAGAAACTGAAGCCTCTGAAAGTGGACTGGAAATACATACTGTTTGCTCACAGAAGGAG-3'